The following is an entry in ClinVar:

NM_024079.5(ALG8):c.802C>T (p.Arg268Ter)

Gene: ALG8 (ALG8 alpha-1,3-glucosyltransferase; minus strand). Cytogenetic location: 11q14.1.
Variant type: single nucleotide variant.
Coding change: c.802C>T on transcript NM_024079.5 (MANE Select); coding-DNA position 802, C replaced by T.
Protein change: p.Arg268Ter; replaces arginine 268 with a stop codon.
Molecular consequence: nonsense.
Genome position (GRCh38, 1-based): chr11:78,112,746, G>A on the plus strand (C>T on the coding strand, the complement: ALG8 is on the minus strand). VCF-style: chr11-78112746-G-A. GRCh37 (hg19) VCF-style: chr11-77823792-G-A.
Other names: c.802C>T (NM_024079.4); c.802C>T, p.Arg268Ter (NM_001007027.3); short protein forms R268*.
Identifiers: ClinVar variation 1406714 (VCV001406714.8), dbSNP rs772492143, ClinGen allele CA6203329.

ClinVar aggregate classification (germline): Pathogenic/Likely pathogenic. Review status: criteria provided, multiple submitters, no conflicts (2 of 4 stars). 3 submissions from 3 submitters: Pathogenic (1); Likely pathogenic (2). Last evaluated 2025-08-11.

Conditions:
ALG8-related disorder.
ALG8 congenital disorder of glycosylation. Also called: CONGENITAL DISORDER OF GLYCOSYLATION, TYPE Ih; CDG Ih; ALG8-CDG. Identifiers: Orphanet 79325, MedGen C2931002, MONDO:0011969, OMIM 608104.

Allele frequency attached by ClinVar (database versions not stated): gnomAD exomes below 0.00001 and 0.00001; gnomAD 0.00001; ExAC 0.00002.
gnomAD v4.1: 5 of 1,613,706 alleles (0.00031%); highest among the groups gnomAD compares: East Asian, 0.0022%; no homozygotes.

Submissions (3):

PreventionGenetics, part of Exact Sciences
Classification: Likely pathogenic for ALG8-related condition. Last evaluated: 2025-08-11. Review status: criteria provided, single submitter. Criteria: ACMG Guidelines, 2015. Collection method: clinical testing. Allele origin: germline.
Comment: The ALG8 c.802C>T variant is predicted to result in premature protein termination (p.Arg268*). To our knowledge, this variant has not been reported in the literature. This variant is reported in 0.0029% of alleles in individuals of Latino descent in gnomAD. Nonsense variants in ALG8 are expected to be pathogenic. This variant is interpreted as likely pathogenic.

Blueprint Genetics
Classification: Likely pathogenic for ALG8-related disorders. Last evaluated: 2024-06-06. Review status: criteria provided, single submitter. Criteria: ACMG Guidelines, 2015. Collection method: clinical testing. Allele origin: germline. Affected: yes. Observed: 2 variant alleles.

Labcorp Genetics (formerly Invitae), Labcorp
Classification: Pathogenic for ALG8 congenital disorder of glycosylation. Last evaluated: 2023-06-21. Review status: criteria provided, single submitter. Criteria: Invitae Variant Classification Sherloc (09022015). Collection method: clinical testing. Allele origin: germline.
Comment: This sequence change creates a premature translational stop signal (p.Arg268*) in the ALG8 gene. It is expected to result in an absent or disrupted protein product. Loss-of-function variants in ALG8 are known to be pathogenic (PMID: 19862844). This variant is present in population databases (rs772492143, gnomAD 0.003%). This variant has not been reported in the literature in individuals affected with ALG8-related conditions. ClinVar contains an entry for this variant (Variation ID: 1406714). For these reasons, this variant has been classified as Pathogenic.

Literature cited by the submitters: PubMed 19862844 (cited by Labcorp Genetics (formerly Invitae), Labcorp).